The following is an entry in ClinVar:

NM_032043.3(BRIP1):c.2342C>T (p.Thr781Ile)

Gene: BRIP1 (BRCA1 interacting DNA helicase 1; minus strand). Cytogenetic location: 17q23.2.
Variant type: single nucleotide variant.
Coding change: c.2342C>T on transcript NM_032043.3 (MANE Select); coding-DNA position 2342, C replaced by T.
Protein change: p.Thr781Ile; replaces threonine 781 with isoleucine.
Molecular consequence: missense variant.
Genome position (GRCh38, 1-based): chr17:61,743,050, G>A on the plus strand (C>T on the coding strand, the complement: BRIP1 is on the minus strand). VCF-style: chr17-61743050-G-A. GRCh37 (hg19) VCF-style: chr17-59820411-G-A.
Other names: short protein forms T781I.
Identifiers: ClinVar variation 479426 (VCV000479426.6), dbSNP rs1555590382, ClinGen allele CA400482595.

ClinVar aggregate classification (germline): Uncertain significance (1 of 4 stars; one submission).

Conditions:
Hereditary cancer-predisposing syndrome. Also called: Neoplastic Syndromes, Hereditary; Hereditary Cancer Syndrome; Hereditary neoplastic syndrome; Tumor predisposition. Identifiers: Orphanet 140162, MedGen C0027672, MeSH D009386, MONDO:0015356.

Allele frequency attached by ClinVar (database versions not stated): gnomAD exomes below 0.00001.
gnomAD v4.1: 1 of 1,613,946 alleles (0.000062%); highest among the groups gnomAD compares: Non-Finnish European, 0.000085%; no homozygotes.

Submission:

Ambry Genetics
Classification: Uncertain significance for Hereditary cancer-predisposing syndrome. Last evaluated: 2025-09-01. Review status: criteria provided, single submitter. Criteria: Ambry Variant Classification Scheme 2023. Collection method: clinical testing. Allele origin: germline.
Comment: The p.T781I variant (also known as c.2342C>T), located in coding exon 15 of the BRIP1 gene, results from a C to T substitution at nucleotide position 2342. The threonine at codon 781 is replaced by isoleucine, an amino acid with similar properties. This variant was not reported in population based cohorts in the following databases: Database of Single Nucleotide Polymorphisms (dbSNP), NHLBI Exome Sequencing Project (ESP), and 1000 Genomes Project. In the ESP, this variant was not observed in 6503 samples (13006 alleles) with coverage at this position. To date, this alteration has been detected with an allele frequency of approximately 0.001% (greater than 120000 alleles tested) in our clinical cohort. This amino acid position is highly conserved in available vertebrate species. In addition, this alteration is predicted to be deleterious by in silico analysis. Since supporting evidence is limited at this time, the clinical significance of this alteration remains unclear.